The following is an entry in ClinVar:

NM_172107.4(KCNQ2):c.2228C>T (p.Pro743Leu)

Gene: KCNQ2 (potassium voltage-gated channel subfamily Q member 2; minus strand). Cytogenetic location: 20q13.33.
Variant type: single nucleotide variant.
Coding change: c.2228C>T on transcript NM_172107.4 (MANE Select); coding-DNA position 2228, C replaced by T.
Protein change: p.Pro743Leu; replaces proline 743 with leucine.
Molecular consequence: missense variant.
Genome position (GRCh38, 1-based): chr20:63,407,035, G>A on the plus strand (C>T on the coding strand, the complement: KCNQ2 is on the minus strand). VCF-style: chr20-63407035-G-A. GRCh37 (hg19) VCF-style: chr20-62038388-G-A.
Other names: c.2282C>T, p.Pro761Leu (NM_001382235.1); c.2144C>T, p.Pro715Leu (NM_004518.6); c.2174C>T, p.Pro725Leu (NM_172106.3); c.2135C>T, p.Pro712Leu (NM_172108.5); short protein forms P725L, P715L, P743L, P712L, P761L.
Identifiers: ClinVar variation 971350 (VCV000971350.11), dbSNP rs757187432, ClinGen allele CA409638383.

ClinVar aggregate classification (germline): Uncertain significance. Review status: criteria provided, multiple submitters, no conflicts (2 of 4 stars). 2 submissions from 2 submitters: Uncertain significance (2). Last evaluated 2025-01-07.

Conditions:
Inborn genetic diseases. Identifiers: MedGen C0950123, MeSH D030342.
Early-infantile DEE. Also called: Ohtahara syndrome; Early infantile epileptic encephalopathy; Early infantile epileptic encephalopathy with suppression bursts. Identifiers: Orphanet 1934, MedGen C0393706, MONDO:0800491.

Allele frequency attached by ClinVar (database versions not stated): gnomAD exomes below 0.00001; gnomAD 0.00001; TOPMed 0.00001.
gnomAD v4.1: 9 of 1,518,952 alleles (0.00059%); highest among the groups gnomAD compares: African/African-American, 0.0014%; no homozygotes.

Submissions (2):

Ambry Genetics
Classification: Uncertain significance for Inborn genetic diseases. Last evaluated: 2025-01-07. Review status: criteria provided, single submitter. Criteria: Ambry Variant Classification Scheme 2023. Collection method: clinical testing. Allele origin: germline.

Labcorp Genetics (formerly Invitae), Labcorp
Classification: Uncertain significance for Early-infantile DEE. Last evaluated: 2024-11-11. Review status: criteria provided, single submitter. Criteria: Invitae Variant Classification Sherloc (09022015). Collection method: clinical testing. Allele origin: germline.
Comment: This sequence change replaces proline, which is neutral and non-polar, with leucine, which is neutral and non-polar, at codon 743 of the KCNQ2 protein (p.Pro743Leu). This variant is present in population databases (no rsID available, gnomAD 0.002%). This variant has not been reported in the literature in individuals affected with KCNQ2-related conditions. ClinVar contains an entry for this variant (Variation ID: 971350). Invitae Evidence Modeling of protein sequence and biophysical properties (such as structural, functional, and spatial information, amino acid conservation, physicochemical variation, residue mobility, and thermodynamic stability) indicates that this missense variant is expected to disrupt KCNQ2 protein function with a positive predictive value of 95%. In summary, the available evidence is currently insufficient to determine the role of this variant in disease. Therefore, it has been classified as a Variant of Uncertain Significance.